The following is an entry in ClinVar:

ClinVar aggregate classification (germline): Conflicting classifications of pathogenicity. Review status: criteria provided, conflicting classifications (1 of 4 stars). 2 submissions from 2 submitters: Uncertain significance (1); Likely benign (1). Last evaluated 2025-03-29.

Conditions:
KBG syndrome (KBGS). Also called: ANKRD11-Related KBG Syndrome. Identifiers: Orphanet 2332, MedGen C0220687, MONDO:0007846, OMIM 148050.
Inborn genetic diseases. Identifiers: MedGen C0950123, MeSH D030342.

Allele frequency attached by ClinVar (database versions not stated): TOPMed below 0.00001; ExAC 0.00001; gnomAD 0.00001; gnomAD exomes 0.00001; 1000 Genomes Project 30x 0.00016; 1000 Genomes Project 0.00020.
gnomAD v4.1: 15 of 1,598,486 alleles (0.00094%); highest among the groups gnomAD compares: East Asian, 0.018%; no homozygotes.

Submissions (2):

Labcorp Genetics (formerly Invitae), Labcorp
Classification: Uncertain significance for KBG syndrome. Last evaluated: 2025-03-29. Review status: criteria provided, single submitter. Criteria: Invitae Variant Classification Sherloc (09022015). Collection method: clinical testing. Allele origin: germline.
Comment: This sequence change replaces threonine, which is neutral and polar, with isoleucine, which is neutral and non-polar, at codon 1876 of the ANKRD11 protein (p.Thr1876Ile). This variant is present in population databases (rs529132215, gnomAD 0.02%). This variant has not been reported in the literature in individuals affected with ANKRD11-related conditions. ClinVar contains an entry for this variant (Variation ID: 3122432). Invitae Evidence Modeling of protein sequence and biophysical properties (such as structural, functional, and spatial information, amino acid conservation, physicochemical variation, residue mobility, and thermodynamic stability) indicates that this missense variant is not expected to disrupt ANKRD11 protein function with a negative predictive value of 95%. In summary, the available evidence is currently insufficient to determine the role of this variant in disease. Therefore, it has been classified as a Variant of Uncertain Significance.

Ambry Genetics
Classification: Likely benign for Inborn genetic diseases. Last evaluated: 2024-01-16. Review status: criteria provided, single submitter. Criteria: Ambry Variant Classification Scheme 2023. Collection method: clinical testing. Allele origin: germline.

NM_013275.6(ANKRD11):c.5627C>T (p.Thr1876Ile)

Gene: ANKRD11 (ankyrin repeat domain 11; minus strand). Cytogenetic location: 16q24.3.
Variant type: single nucleotide variant.
Coding change: c.5627C>T on transcript NM_013275.6 (MANE Select); coding-DNA position 5627, C replaced by T.
Protein change: p.Thr1876Ile; replaces threonine 1876 with isoleucine.
Molecular consequence: missense variant.
Genome position (GRCh38, 1-based): chr16:89,280,915, G>A on the plus strand (C>T on the coding strand, the complement: ANKRD11 is on the minus strand). VCF-style: chr16-89280915-G-A. GRCh37 (hg19) VCF-style: chr16-89347323-G-A.
Other names: c.5627C>T, p.Thr1876Ile (NM_001256182.2, NM_001256183.2); short protein forms T1876I.
Identifiers: ClinVar variation 3122432 (VCV003122432.2), dbSNP rs529132215, ClinGen allele CA8241773.